The following is an entry in ClinVar:

NM_001160148.2(DDHD1):c.1529T>C (p.Leu510Pro)

Gene: DDHD1 (DDHD domain containing 1; minus strand). Cytogenetic location: 14q22.1.
Variant type: single nucleotide variant.
Coding change: c.1529T>C on transcript NM_001160148.2 (MANE Select); coding-DNA position 1529, T replaced by C.
Protein change: p.Leu510Pro; replaces leucine 510 with proline.
Molecular consequence: missense variant.
Genome position (GRCh38, 1-based): chr14:53,063,180, A>G on the plus strand (T>C on the coding strand, the complement: DDHD1 is on the minus strand). VCF-style: chr14-53063180-A-G. GRCh37 (hg19) VCF-style: chr14-53529898-A-G.
Other names: c.1550T>C, p.Leu517Pro (NM_001160147.2); c.1529T>C, p.Leu510Pro (NM_030637.3); c.1529T>C (NM_001160148.1); short protein forms L510P, L517P.
Identifiers: ClinVar variation 1304833 (VCV001304833.9), dbSNP rs755632915, ClinGen allele CA7191204.

ClinVar aggregate classification (germline): Uncertain significance. Review status: criteria provided, multiple submitters, no conflicts (2 of 4 stars). 3 submissions from 3 submitters: Uncertain significance (3). Last evaluated 2023-10-13.

Conditions:
Inborn genetic diseases. Identifiers: MedGen C0950123, MeSH D030342.
Hereditary spastic paraplegia 28. Also called: Spastic paraplegia 28, autosomal recessive. Identifiers: Orphanet 101008, MedGen C1836295, MONDO:0012256, OMIM 609340.

Allele frequency attached by ClinVar (database versions not stated): ExAC 0.00001; gnomAD exomes 0.00001 and 0.00002; TOPMed 0.00002; gnomAD 0.00003.
gnomAD v4.1: 28 of 1,613,708 alleles (0.0017%); highest among the groups gnomAD compares: Non-Finnish European, 0.0023%; no homozygotes.

Submissions (3):

Ambry Genetics
Classification: Uncertain significance for Inborn genetic diseases. Last evaluated: 2023-10-13. Review status: criteria provided, single submitter. Criteria: Ambry Variant Classification Scheme 2023. Collection method: clinical testing. Allele origin: germline.

Labcorp Genetics (formerly Invitae), Labcorp
Classification: Uncertain significance for Hereditary spastic paraplegia 28. Last evaluated: 2020-11-06. Review status: criteria provided, single submitter. Criteria: Invitae Variant Classification Sherloc (09022015). Collection method: clinical testing. Allele origin: germline.
Comment: In summary, the available evidence is currently insufficient to determine the role of this variant in disease. Therefore, it has been classified as a Variant of Uncertain Significance. Algorithms developed to predict the effect of missense changes on protein structure and function (SIFT, PolyPhen-2, Align-GVGD) all suggest that this variant is likely to be disruptive, but these predictions have not been confirmed by published functional studies and their clinical significance is uncertain. This variant has not been reported in the literature in individuals with DDHD1-related conditions. This variant is present in population databases (rs755632915, ExAC 0.002%). This sequence change replaces leucine with proline at codon 517 of the DDHD1 protein (p.Leu517Pro). The leucine residue is highly conserved and there is a moderate physicochemical difference between leucine and proline.

GeneDx
Classification: Uncertain significance. Last evaluated: 2019-07-29. Review status: criteria provided, single submitter. Criteria: GeneDx Variant Classification Process June 2021. Collection method: clinical testing. Allele origin: germline. Affected: yes.
Comment: Not observed at a significant frequency in large population cohorts (Lek et al., 2016); In silico analysis, which includes protein predictors and evolutionary conservation, supports a deleterious effect; Has not been previously published as pathogenic or benign to our knowledge